The following is an entry in ClinVar:

ClinVar aggregate classification (germline): Uncertain significance. Review status: criteria provided, multiple submitters, no conflicts (2 of 4 stars). 4 submissions from 4 submitters: Uncertain significance (4). Last evaluated 2026-01-13.

Conditions:
Colorectal cancer, susceptibility to, 12 (CRCS12). Also called: COLORECTAL CANCER, SUSCEPTIBILITY TO, ON CHROMOSOME 12q24. Identifiers: Orphanet 220460, MedGen C3554460, MONDO:0014038, OMIM 615083.
Hereditary cancer-predisposing syndrome. Also called: Neoplastic Syndromes, Hereditary; Hereditary Cancer Syndrome; Tumor predisposition; Hereditary neoplastic syndrome. Identifiers: Orphanet 140162, MedGen C0027672, MeSH D009386, MONDO:0015356.

Allele frequency attached by ClinVar (database versions not stated): TOPMed 0.00001.
gnomAD v4.1: 1 of 1,613,498 alleles (0.000062%); highest among the groups gnomAD compares: Non-Finnish European, 0.000085%; no homozygotes.

Submissions (4):

Labcorp Genetics (formerly Invitae), Labcorp
Classification: Uncertain significance. Last evaluated: 2026-01-13. Review status: criteria provided, single submitter. Criteria: Invitae Variant Classification Sherloc (09022015). Collection method: clinical testing. Allele origin: germline.
Comment: This sequence change replaces isoleucine, which is neutral and non-polar, with valine, which is neutral and non-polar, at codon 276 of the POLE protein (p.Ile276Val). This variant is not present in population databases (gnomAD no frequency). This variant has not been reported in the literature in individuals affected with POLE-related conditions. ClinVar contains an entry for this variant (Variation ID: 581620). Invitae Evidence Modeling of protein sequence and biophysical properties (such as structural, functional, and spatial information, amino acid conservation, physicochemical variation, residue mobility, and thermodynamic stability) indicates that this missense variant is expected to disrupt POLE protein function with a positive predictive value of 80%. In summary, the available evidence is currently insufficient to determine the role of this variant in disease. Therefore, it has been classified as a Variant of Uncertain Significance.

Ambry Genetics
Classification: Uncertain significance for Hereditary cancer-predisposing syndrome. Last evaluated: 2025-08-25. Review status: criteria provided, single submitter. Criteria: Ambry Variant Classification Scheme 2023. Collection method: clinical testing. Allele origin: germline.
Comment: The p.I276V variant (also known as c.826A>G), located in coding exon 9 of the POLE gene, results from an A to G substitution at nucleotide position 826. The isoleucine at codon 276 is replaced by valine, an amino acid with highly similar properties. This amino acid position is highly conserved in available vertebrate species. In addition, the in silico prediction for this alteration is inconclusive. Based on the available evidence, the clinical significance of this variant remains unclear.

Baylor Genetics
Classification: Uncertain significance for Colorectal cancer, susceptibility to, 12. Last evaluated: 2023-09-22. Review status: criteria provided, single submitter. Criteria: ACMG Guidelines, 2015. Collection method: clinical testing. Allele origin: unknown.

Quest Diagnostics Nichols Institute San Juan Capistrano
Classification: Uncertain significance. Last evaluated: 2023-02-18. Review status: criteria provided, single submitter. Criteria: Quest Diagnostics criteria. Collection method: clinical testing. Allele origin: unknown.
Comment: The variant has not been reported in the published literature. It also has not been reported in large, multi-ethnic general populations. Analysis of this variant using bioinformatics tools for the prediction of the effect of amino acid changes on protein structure and function yielded conflicting predictions that this variant is benign or damaging. Based on the available information, we are unable to determine the clinical significance of this variant.

NM_006231.4(POLE):c.826A>G (p.Ile276Val)

Gene: POLE (DNA polymerase epsilon, catalytic subunit; minus strand). Cytogenetic location: 12q24.33.
Variant type: single nucleotide variant.
Coding change: c.826A>G on transcript NM_006231.4 (MANE Select); coding-DNA position 826, A replaced by G.
Protein change: p.Ile276Val; replaces isoleucine 276 with valine.
Molecular consequence: missense variant.
Genome position (GRCh38, 1-based): chr12:132,676,629, T>C on the plus strand (A>G on the coding strand, the complement: POLE is on the minus strand). VCF-style: chr12-132676629-T-C. GRCh37 (hg19) VCF-style: chr12-133253215-T-C.
Other names: short protein forms I276V.
Identifiers: ClinVar variation 581620 (VCV000581620.12), dbSNP rs1280169933, ClinGen allele CA387364336.